The following is an entry in ClinVar:

ClinVar aggregate classification (germline): Uncertain significance. Review status: criteria provided, multiple submitters, no conflicts (2 of 4 stars). 3 submissions from 3 submitters: Uncertain significance (3). Last evaluated 2024-06-21.

Conditions:
Xanthinuria type II. Also called: Xanthine dehydrogenase and aldehyde oxidase combined deficiency of; XDH and AOX dual deficiency. Identifiers: Orphanet 3467, Orphanet 93602, MedGen C1863688, MONDO:0011346, OMIM 603592.

Allele frequency attached by ClinVar (database versions not stated): gnomAD exomes 0.00002; ExAC 0.00008; TOPMed 0.00017; gnomAD 0.00019; ESP Exome Variant Server 0.00023.
gnomAD v4.1: 65 of 1,614,012 alleles (0.004%); highest among the groups gnomAD compares: African/African-American, 0.065%; no homozygotes.

Submissions (3):

Fulgent Genetics
Classification: Uncertain significance for Xanthinuria type II. Last evaluated: 2024-06-21. Review status: criteria provided, single submitter. Criteria: ACMG Guidelines, 2015. Collection method: clinical testing. Allele origin: germline.

Ambry Genetics
Classification: Uncertain significance. Last evaluated: 2022-06-24. Review status: criteria provided, single submitter. Criteria: Ambry Variant Classification Scheme 2023. Collection method: clinical testing. Allele origin: germline.

Labcorp Genetics (formerly Invitae), Labcorp
Classification: Uncertain significance for Xanthinuria type II. Last evaluated: 2022-05-17. Review status: criteria provided, single submitter. Criteria: Invitae Variant Classification Sherloc (09022015). Collection method: clinical testing. Allele origin: germline.
Comment: This variant has not been reported in the literature in individuals affected with MOCOS-related conditions. This sequence change replaces arginine, which is basic and polar, with glycine, which is neutral and non-polar, at codon 173 of the MOCOS protein (p.Arg173Gly). This variant is present in population databases (rs139665091, gnomAD 0.07%). Algorithms developed to predict the effect of missense changes on protein structure and function (SIFT, PolyPhen-2, Align-GVGD) all suggest that this variant is likely to be tolerated. Algorithms developed to predict the effect of sequence changes on RNA splicing suggest that this variant may disrupt the consensus splice site. In summary, the available evidence is currently insufficient to determine the role of this variant in disease. Therefore, it has been classified as a Variant of Uncertain Significance.

NM_017947.4(MOCOS):c.517A>G (p.Arg173Gly)

Gene: MOCOS (molybdenum cofactor sulfurase; plus strand). Cytogenetic location: 18q12.2.
Variant type: single nucleotide variant.
Coding change: c.517A>G on transcript NM_017947.4 (MANE Select); coding-DNA position 517, A replaced by G.
Protein change: p.Arg173Gly; replaces arginine 173 with glycine.
Molecular consequence: missense variant.
Genome position (GRCh38, 1-based): chr18:36,199,900, A>G. VCF-style: chr18-36199900-A-G. GRCh37 (hg19) VCF-style: chr18-33779863-A-G.
Other names: short protein forms R173G.
Identifiers: ClinVar variation 2074984 (VCV002074984.4), dbSNP rs139665091, ClinGen allele CA8940454.